The following is an entry in ClinVar:

NM_001371596.2(MFSD8):c.863+2dup

Gene: MFSD8 (major facilitator superfamily domain containing 8; minus strand). Cytogenetic location: 4q28.2.
Variant type: Duplication.
Coding change: c.863+2dup on transcript NM_001371596.2 (MANE Select); the canonical splice donor site of the intron after coding-DNA position 863, one base duplicated (T; older notation c.863+2dupT).
Molecular consequence: splice donor variant.
Genome position (GRCh38, 1-based): chr4:127,932,983, A duplicated on the plus strand (T on the coding strand, the reverse complement: MFSD8 is on the minus strand). VCF-style (leftmost placement, unchanged base first): chr4-127932982-T-TA. GRCh37 (hg19) VCF-style: chr4-128854137-T-TA.
Other names: c.581+2dup (NM_001371595.1); c.413+2dup (NM_001410765.1); c.728+2dup (NM_001371590.2); c.863+2dup (NM_152778.4, NM_001371591.2); c.548+2dup (NM_001363521.3); c.749+2dup (NM_001410766.1, NM_001371593.2); c.662+2dup (NM_001363520.3); c.716+2dup (NM_001371594.2); and 1 more.
Identifiers: ClinVar variation 2733311 (VCV002733311.3), dbSNP rs2546093537, ClinGen allele CA2672042403.

ClinVar aggregate classification (germline): Uncertain significance (1 of 4 stars; one submission).

Conditions:
Neuronal ceroid lipofuscinosis 7 (CLN7). Also called: MFSD8-Related Neuronal Ceroid-Lipofuscinosis. Identifiers: Orphanet 168491, Orphanet 228366, MedGen C1838571, MONDO:0012588, OMIM 610951.

Allele frequency attached by ClinVar (database versions not stated): gnomAD exomes below 0.00001.

Submission:

Labcorp Genetics (formerly Invitae), Labcorp
Classification: Uncertain significance for Neuronal ceroid lipofuscinosis 7. Last evaluated: 2024-02-19. Review status: criteria provided, single submitter. Criteria: Invitae Variant Classification Sherloc (09022015). Collection method: clinical testing. Allele origin: germline.
Comment: This sequence change falls in intron 9 of the MFSD8 gene. It does not directly change the encoded amino acid sequence of the MFSD8 protein. It affects a nucleotide within the consensus splice site. This variant is not present in population databases (gnomAD no frequency). This variant has not been reported in the literature in individuals affected with MFSD8-related conditions. Variants that disrupt the consensus splice site are a relatively common cause of aberrant splicing (PMID: 17576681, 9536098). Algorithms developed to predict the effect of sequence changes on RNA splicing suggest that this variant may disrupt the consensus splice site. In summary, the available evidence is currently insufficient to determine the role of this variant in disease. Therefore, it has been classified as a Variant of Uncertain Significance.

Literature cited by the submitters: PubMed 17576681; PubMed 9536098.